The following is an entry in ClinVar:

NM_012463.4(ATP6V0A2):c.728A>G (p.Asp243Gly)

Gene: ATP6V0A2 (ATPase H+ transporting V0 subunit a2; plus strand). Cytogenetic location: 12q24.31.
Variant type: single nucleotide variant.
Coding change: c.728A>G on transcript NM_012463.4 (MANE Select); coding-DNA position 728, A replaced by G.
Protein change: p.Asp243Gly; replaces aspartic acid 243 with glycine.
Molecular consequence: missense variant.
Genome position (GRCh38, 1-based): chr12:123,734,005, A>G. VCF-style: chr12-123734005-A-G. GRCh37 (hg19) VCF-style: chr12-124218552-A-G.
Other names: c.728A>G (NM_012463.3); short protein forms D243G.
Identifiers: ClinVar variation 1934770 (VCV001934770.6), dbSNP rs1956528551, ClinGen allele CA387153140.

ClinVar aggregate classification (germline): Uncertain significance. Review status: criteria provided, multiple submitters, no conflicts (2 of 4 stars). 2 submissions from 2 submitters: Uncertain significance (2). Last evaluated 2025-03-07.

Conditions:
ALG9 congenital disorder of glycosylation (CDG1L). Also called: CDG Il; CONGENITAL DISORDER OF GLYCOSYLATION, TYPE Il; ALG9-CDG. Identifiers: Orphanet 79328, MedGen C2931006, MONDO:0012117, OMIM 608776.

Allele frequency attached by ClinVar (database versions not stated): gnomAD exomes below 0.00001; TOPMed below 0.00001.
gnomAD v4.1: 1 of 1,610,728 alleles (0.000062%); highest among the groups gnomAD compares: Admixed American, 0.0017%; no homozygotes.

Submissions (2):

Labcorp Genetics (formerly Invitae), Labcorp
Classification: Uncertain significance for ALG9 congenital disorder of glycosylation. Last evaluated: 2025-03-07. Review status: criteria provided, single submitter. Criteria: Invitae Variant Classification Sherloc (09022015). Collection method: clinical testing. Allele origin: germline.
Comment: This sequence change replaces aspartic acid, which is acidic and polar, with glycine, which is neutral and non-polar, at codon 243 of the ATP6V0A2 protein (p.Asp243Gly). This variant is not present in population databases (gnomAD no frequency). This variant has not been reported in the literature in individuals affected with ATP6V0A2-related conditions. ClinVar contains an entry for this variant (Variation ID: 1934770). Invitae Evidence Modeling of protein sequence and biophysical properties (such as structural, functional, and spatial information, amino acid conservation, physicochemical variation, residue mobility, and thermodynamic stability) indicates that this missense variant is not expected to disrupt ATP6V0A2 protein function with a negative predictive value of 80%. Algorithms developed to predict the effect of sequence changes on RNA splicing suggest that this variant may disrupt the consensus splice site. In summary, the available evidence is currently insufficient to determine the role of this variant in disease. Therefore, it has been classified as a Variant of Uncertain Significance.

GeneDx
Classification: Uncertain significance. Last evaluated: 2023-06-21. Review status: criteria provided, single submitter. Criteria: GeneDx Variant Classification Process June 2021. Collection method: clinical testing. Allele origin: germline. Affected: yes.
Comment: Not observed at significant frequency in large population cohorts (gnomAD); In silico analysis supports that this missense variant has a deleterious effect on protein structure/function; Has not been previously published as pathogenic or benign to our knowledge; In silico analysis is inconclusive as to whether the variant alters gene splicing. In the absence of RNA/functional studies, the actual effect of this sequence change is unknown.